The following is an entry in ClinVar:

ClinVar aggregate classification (germline): Likely pathogenic. Review status: criteria provided, multiple submitters, no conflicts (2 of 4 stars). 6 submissions from 6 submitters: Likely pathogenic (3). 3 of the submissions do not count toward it. Last evaluated 2023-08-01.

Conditions:
Spermatogenic failure 71. Identifiers: MedGen C5676963, MONDO:0030787, OMIM 619831.
Ovarian dysgenesis 10 (ODG10). Identifiers: MedGen C5676966, MONDO:0030736, OMIM 619834.
Non-obstructive azoospermia. Identifiers: MedGen C4021107, HP:0011961.

Allele frequency attached by ClinVar (database versions not stated): TOPMed 0.00035; gnomAD exomes 0.00036 and 0.00034; gnomAD 0.00040 and 0.00042; ExAC 0.00041; 1000 Genomes Project 30x 0.00047; 1000 Genomes Project 0.00060; ESP Exome Variant Server 0.00076.

Submissions (6):

Department of Pathology and Laboratory Medicine, Sinai Health System
Classification: Likely pathogenic for Spermatogenic failure 71; Ovarian dysgenesis 10. Last evaluated: 2023-08-01. Review status: criteria provided, single submitter. Criteria: ACMG Guidelines, 2015. Collection method: research. Allele origin: germline.

Laboratorio de Genetica e Diagnostico Molecular, Hospital Israelita Albert Einstein
Classification: Likely pathogenic for Ovarian dysgenesis 10. Last evaluated: 2022-07-07. Review status: criteria provided, single submitter. Criteria: ACMG Guidelines, 2015. Collection method: clinical testing. Allele origin: germline. Affected: yes. Observed: 1 variant allele.
Comment: ACMG classification criteria: PVS1 very strong, PM3 moderated

Juno Genomics, Hangzhou Juno Genomics, Inc
Classification: Likely pathogenic for Spermatogenic failure 71; Ovarian dysgenesis 10. Review status: criteria provided, single submitter. Criteria: ACMG Guidelines, 2015. Collection method: clinical testing. Allele origin: germline.
Comment: Null variant in a gene where loss of function (LOF) is a known mechanism of disease.;For recessive disorders, detected in trans with a pathogenic variant.;Patient's phenotype or family history is highly specific for a disease with a single genetic etiology.

Clinical Genetics Laboratory, University Hospital Schleswig-Holstein
Classification: Likely pathogenic for Ovarian dysgenesis 10. Last evaluated: 2024-03-11. Review status: no assertion criteria provided. Collection method: clinical testing. Allele origin: biparental. Affected: yes. Not counted in ClinVar's aggregate classification.

OMIM
Classification: Pathogenic for SPERMATOGENIC FAILURE 71. Last evaluated: 2022-04-08. Review status: no assertion criteria provided. Collection method: literature only. Allele origin: germline. Not counted in ClinVar's aggregate classification.

Molecular and Cell Genetics Laboratory, University of Science and Technology of China
Classification: Pathogenic for Non-obstructive azoospermia. Review status: no assertion criteria provided. Collection method: research. Allele origin: not applicable. Inheritance: Autosomal recessive inheritance. Not counted in ClinVar's aggregate classification.

Literature cited by the submitters: PubMed 32719396 (cited by OMIM); PubMed 33713115 (cited by OMIM).

NM_001042697.2(ZSWIM7):c.231_232del (p.Cys78fs)

Gene: ZSWIM7 (zinc finger SWIM-type containing 7; minus strand). Cytogenetic location: 17p12.
Variant type: Deletion.
Coding change: c.231_232del on transcript NM_001042697.2 (MANE Select); coding-DNA positions 231 to 232, 2 bases deleted (AT; older notation c.231_232delAT).
Protein change: p.Cys78fs; shifts the reading frame from cysteine 78.
Molecular consequence: frameshift variant.
Genome position (GRCh38, 1-based): chr17:15,981,114-15,981,115, AT deleted on the plus strand (AT on the coding strand, the reverse complement: ZSWIM7 is on the minus strand). VCF-style (leftmost placement, unchanged base first): chr17-15981113-CAT-C. GRCh37 (hg19) VCF-style: chr17-15884427-CAT-C.
Other names: c.231_232del, p.Cys78fs (NM_001042698.2); short protein forms C78fs.
Identifiers: ClinVar variation 1013608 (VCV001013608.8), dbSNP rs368517882, ClinGen allele CA8407054.